The following is an entry in ClinVar:

NM_001042603.3(KDM5A):c.2474A>T (p.Glu825Val)

Gene: KDM5A (lysine demethylase 5A; minus strand). Cytogenetic location: 12p13.33.
Variant type: single nucleotide variant.
Coding change: c.2474A>T on transcript NM_001042603.3 (MANE Select); coding-DNA position 2474, A replaced by T.
Protein change: p.Glu825Val; replaces glutamic acid 825 with valine.
Molecular consequence: missense variant.
Genome position (GRCh38, 1-based): chr12:321,062, T>A on the plus strand (A>T on the coding strand, the complement: KDM5A is on the minus strand). VCF-style: chr12-321062-T-A. GRCh37 (hg19) VCF-style: chr12-430228-T-A.
Other names: short protein forms E825V.
Identifiers: ClinVar variation 2057714 (VCV002057714.4), dbSNP rs2498247709, ClinGen allele CA383637490.
Genomic context (GRCh38, chr12:321,062, plus strand): 5'-TGCCGAGCTTGGCTGATGACACACGGAAGACTAAAAAGTTGTTGGACAAAGGCCTTCAAT[T>A]CTTCCACTGTCAGTTTGGTCCGAGTCCTCCCACTATCTGGGCTCTGTCTGATGTGAAATA-3'
Protein context (NP_001036068.1, residues 815-835): GRTRTKLTVE[Glu825Val]LKAFVQQLFS

ClinVar aggregate classification (germline): Uncertain significance (1 of 4 stars; one submission).

Submission:

Labcorp Genetics (formerly Invitae), Labcorp
Classification: Uncertain significance. Last evaluated: 2021-12-24. Review status: criteria provided, single submitter. Criteria: Invitae Variant Classification Sherloc (09022015). Collection method: clinical testing. Allele origin: germline.
Comment: This sequence change replaces glutamic acid, which is acidic and polar, with valine, which is neutral and non-polar, at codon 825 of the KDM5A protein (p.Glu825Val). In summary, the available evidence is currently insufficient to determine the role of this variant in disease. Therefore, it has been classified as a Variant of Uncertain Significance. Algorithms developed to predict the effect of missense changes on protein structure and function are either unavailable or do not agree on the potential impact of this missense change (SIFT: "Deleterious"; PolyPhen-2: "Probably Damaging"; Align-GVGD: "Class C0"). This variant has not been reported in the literature in individuals affected with KDM5A-related conditions. This variant is not present in population databases (gnomAD no frequency).